The following is an entry in ClinVar:

ClinVar aggregate classification (germline): Uncertain significance (1 of 4 stars; one submission).

gnomAD v4.1: 1 of 1,613,580 alleles (0.000062%); highest among the groups gnomAD compares: Admixed American, 0.0017%; no homozygotes.

Submission:

GeneDx
Classification: Uncertain significance. Last evaluated: 2025-05-12. Review status: criteria provided, single submitter. Criteria: GeneDx Variant Classification Process June 2021. Collection method: clinical testing. Allele origin: germline. Affected: yes.
Comment: Not observed at significant frequency in large population cohorts (gnomAD); In silico analysis supports that this missense variant has a deleterious effect on protein structure/function; Has not been previously published as pathogenic or benign to our knowledge

NM_001395656.1(ROBO2):c.1784A>G (p.Tyr595Cys)

Gene: ROBO2 (roundabout guidance receptor 2; plus strand). Cytogenetic location: 3p12.3.
Variant type: single nucleotide variant.
Coding change: c.1784A>G on transcript NM_001395656.1 (MANE Select); coding-DNA position 1784, A replaced by G.
Protein change: p.Tyr595Cys; replaces tyrosine 595 with cysteine.
Molecular consequence: missense variant. On other transcripts: 5 prime UTR variant (1).
Genome position (GRCh38, 1-based): chr3:77,565,043, A>G. VCF-style: chr3-77565043-A-G. GRCh37 (hg19) VCF-style: chr3-77614194-A-G.
Other names: c.1820A>G, p.Tyr607Cys (NM_001128929.3); c.1784A>G, p.Tyr595Cys (NM_001290039.2, NM_001290040.2, NM_001378202.1); c.-8A>G (NM_001290065.2); c.1832A>G, p.Tyr611Cys (NM_001378190.1, NM_001378191.1, NM_001378195.1 and 4 more transcripts); c.1853A>G, p.Tyr618Cys (NM_001378192.1, NM_001378194.1, NM_001378198.1 and 2 more transcripts); c.1772A>G, p.Tyr591Cys (NM_001378193.1, NM_001378197.1, NM_002942.5); c.1841A>G, p.Tyr614Cys (NM_001394212.1, NM_001394214.1, NM_001395657.1); short protein forms Y591C, Y595C, Y607C, Y611C, Y614C, Y618C.
Identifiers: ClinVar variation 4529526 (VCV004529526.1).